The following is an entry in ClinVar:

ClinVar aggregate classification (germline): Uncertain significance (1 of 4 stars; one submission).

Allele frequency attached by ClinVar (database versions not stated): gnomAD exomes below 0.00001.
gnomAD v4.1: 1 of 1,614,090 alleles (0.000062%); highest among the groups gnomAD compares: Non-Finnish European, 0.000085%; no homozygotes.

Submission:

Labcorp Genetics (formerly Invitae), Labcorp
Classification: Uncertain significance. Last evaluated: 2024-08-01. Review status: criteria provided, single submitter. Criteria: Invitae Variant Classification Sherloc (09022015). Collection method: clinical testing. Allele origin: germline.
Comment: This sequence change replaces valine, which is neutral and non-polar, with methionine, which is neutral and non-polar, at codon 502 of the MYLK3 protein (p.Val502Met). This variant is not present in population databases (gnomAD no frequency). This variant has not been reported in the literature in individuals affected with MYLK3-related conditions. An algorithm developed to predict the effect of missense changes on protein structure and function (PolyPhen-2) suggests that this variant is likely to be disruptive. In summary, the available evidence is currently insufficient to determine the role of this variant in disease. Therefore, it has been classified as a Variant of Uncertain Significance.

NM_182493.3(MYLK3):c.1504G>A (p.Val502Met)

Gene: MYLK3 (myosin light chain kinase 3; minus strand). Cytogenetic location: 16q11.2.
Variant type: single nucleotide variant.
Coding change: c.1504G>A on transcript NM_182493.3 (MANE Select); coding-DNA position 1504, G replaced by A.
Protein change: p.Val502Met; replaces valine 502 with methionine.
Molecular consequence: missense variant.
Genome position (GRCh38, 1-based): chr16:46,730,657, C>T on the plus strand (G>A on the coding strand, the complement: MYLK3 is on the minus strand). VCF-style: chr16-46730657-C-T. GRCh37 (hg19) VCF-style: chr16-46764569-C-T.
Other names: c.481G>A, p.Val161Met (NM_001308301.1); short protein forms V502M, V161M.
Identifiers: ClinVar variation 2783724 (VCV002783724.3), dbSNP rs2548905157, ClinGen allele CA395791748.